The following is an entry in ClinVar:

ClinVar aggregate classification (germline): Uncertain significance (1 of 4 stars; one submission).

Allele frequency attached by ClinVar (database versions not stated): ESP Exome Variant Server 0.00008; TOPMed 0.00009.
gnomAD v4.1: 242 of 1,613,838 alleles (0.015%); highest among the groups gnomAD compares: Non-Finnish European, 0.019%; no homozygotes.

Submission:

Labcorp Genetics (formerly Invitae), Labcorp
Classification: Uncertain significance. Last evaluated: 2023-12-11. Review status: criteria provided, single submitter. Criteria: Invitae Variant Classification Sherloc (09022015). Collection method: clinical testing. Allele origin: germline.
Comment: This sequence change replaces glycine, which is neutral and non-polar, with arginine, which is basic and polar, at codon 167 of the EXOSC2 protein (p.Gly167Arg). This variant is present in population databases (rs372156461, gnomAD 0.009%). This variant has not been reported in the literature in individuals affected with EXOSC2-related conditions. ClinVar contains an entry for this variant (Variation ID: 1007349). Advanced modeling of protein sequence and biophysical properties (such as structural, functional, and spatial information, amino acid conservation, physicochemical variation, residue mobility, and thermodynamic stability) performed at Invitae indicates that this missense variant is not expected to disrupt EXOSC2 protein function with a negative predictive value of 80%. In summary, the available evidence is currently insufficient to determine the role of this variant in disease. Therefore, it has been classified as a Variant of Uncertain Significance.

NM_014285.7(EXOSC2):c.499G>C (p.Gly167Arg)

Gene: EXOSC2 (exosome component 2; plus strand). Cytogenetic location: 9q34.12.
Variant type: single nucleotide variant.
Coding change: c.499G>C on transcript NM_014285.7 (MANE Select); coding-DNA position 499, G replaced by C.
Protein change: p.Gly167Arg; replaces glycine 167 with arginine.
Molecular consequence: missense variant. On other transcripts: non-coding transcript variant (1), intron variant (1).
Genome position (GRCh38, 1-based): chr9:130,702,137, G>C. VCF-style: chr9-130702137-G-C. GRCh37 (hg19) VCF-style: chr9-133577524-G-C.
Other names: c.409G>C, p.Gly137Arg (NM_001282709.1); c.427-6G>C (NM_001282708.1); short protein forms G137R, G167R.
Identifiers: ClinVar variation 1007349 (VCV001007349.4), dbSNP rs372156461, ClinGen allele CA5284905.